The following is an entry in ClinVar:

ClinVar aggregate classification (germline): Uncertain significance. Review status: criteria provided, multiple submitters, no conflicts (2 of 4 stars). 2 submissions from 2 submitters: Uncertain significance (2). Last evaluated 2021-05-07.

Conditions:
Heart and brain malformation syndrome (HBMS). Identifiers: MedGen C4310793, MONDO:0014833, OMIM 616920.

gnomAD v4.1: 1 of 1,613,894 alleles (0.000062%); highest among the groups gnomAD compares: South Asian, 0.0011%; no homozygotes.

Submissions (2):

Revvity Omics, Revvity
Classification: Uncertain significance. Last evaluated: 2021-05-07. Review status: criteria provided, single submitter. Criteria: ACMG Guidelines, 2015. Collection method: clinical testing. Allele origin: germline.

Neuberg Centre For Genomic Medicine, NCGM
Classification: Uncertain significance for Heart and brain malformation syndrome. Review status: criteria provided, single submitter. Criteria: ACMG Guidelines, 2015. Collection method: clinical testing. Allele origin: germline. Inheritance: Autosomal recessive inheritance. Affected: yes.
Comment: The missense c.611T>A (p.Val204Glu) variant in the SMG9 gene has not been reported previously as a pathogenic variant nor as a benign variant, to our knowledge. This variant is reported with the allele frequency (0.0003%) in the gnomAD Exomes. This variant has been reported to the ClinVar database as Uncertain Significance. However, no details are available for independent assessment. The amino acid Valine at position 204 is changed to a Glutamic acid changing protein sequence and it might alter its composition and physico-chemical properties. Computational evidence (Polyphen – Possibly damaging, SIFT - Tolerated and MutationTaster - Disease causing) predicts conflicting evidence on protein structure and function for this variant. The amino acid Valine in SMG9 is predicted as conserved by GERP++ and PhyloP across 100 vertebrates. For these reasons, this variant has been classified as Uncertain Significance. No significant variants in SMG9 has been detected in ID:30506300645.

NM_019108.4(SMG9):c.611T>A (p.Val204Glu)

Gene: SMG9 (SMG9 nonsense mediated mRNA decay factor; minus strand). Cytogenetic location: 19q13.31.
Variant type: single nucleotide variant.
Coding change: c.611T>A on transcript NM_019108.4 (MANE Select); coding-DNA position 611, T replaced by A.
Protein change: p.Val204Glu; replaces valine 204 with glutamic acid.
Molecular consequence: missense variant.
Genome position (GRCh38, 1-based): chr19:43,744,862, A>T on the plus strand (T>A on the coding strand, the complement: SMG9 is on the minus strand). VCF-style: chr19-43744862-A-T. GRCh37 (hg19) VCF-style: chr19-44249014-A-T.
Other names: short protein forms V204E.
Identifiers: ClinVar variation 2436203 (VCV002436203.6), dbSNP rs778572007, ClinGen allele CA406215819.